The following is an entry in ClinVar:

NM_002354.3(EPCAM):c.188C>G (p.Ala63Gly)

Gene: EPCAM (epithelial cell adhesion molecule; plus strand). Cytogenetic location: 2p21.
Variant type: single nucleotide variant.
Coding change: c.188C>G on transcript NM_002354.3 (MANE Select); coding-DNA position 188, C replaced by G.
Protein change: p.Ala63Gly; replaces alanine 63 with glycine.
Molecular consequence: missense variant.
Genome position (GRCh38, 1-based): chr2:47,373,811, C>G. VCF-style: chr2-47373811-C-G. GRCh37 (hg19) VCF-style: chr2-47600950-C-G.
Other names: short protein forms A63G.
Identifiers: ClinVar variation 3275817 (VCV003275817.1).

ClinVar aggregate classification (germline): Uncertain significance (1 of 4 stars; one submission).

Conditions:
Hereditary cancer-predisposing syndrome. Also called: Tumor predisposition; Hereditary Cancer Syndrome; Hereditary neoplastic syndrome; Neoplastic Syndromes, Hereditary. Identifiers: Orphanet 140162, MedGen C0027672, MeSH D009386, MONDO:0015356.

gnomAD v4.1: 6 of 1,613,980 alleles (0.00037%); highest among the groups gnomAD compares: Non-Finnish European, 0.00042%; no homozygotes.

Submission:

Ambry Genetics
Classification: Uncertain significance for Hereditary cancer-predisposing syndrome. Last evaluated: 2024-04-05. Review status: criteria provided, single submitter. Criteria: Ambry Variant Classification Scheme 2023. Collection method: clinical testing. Allele origin: germline.
Comment: The p.A63G variant (also known as c.188C>G), located in coding exon 3 of the EPCAM gene, results from a C to G substitution at nucleotide position 188. The alanine at codon 63 is replaced by glycine, an amino acid with similar properties. This amino acid position is conserved. In addition, this alteration is predicted to be tolerated by in silico analysis. Based on the available evidence, the clinical significance of this variant remains unclear.